The following is an entry in ClinVar:

NM_002485.5(NBN):c.1004C>G (p.Thr335Arg)

Gene: NBN (nibrin; minus strand). Cytogenetic location: 8q21.3.
Variant type: single nucleotide variant.
Coding change: c.1004C>G on transcript NM_002485.5 (MANE Select); coding-DNA position 1004, C replaced by G.
Protein change: p.Thr335Arg; replaces threonine 335 with arginine.
Molecular consequence: missense variant.
Genome position (GRCh38, 1-based): chr8:89,958,845, G>C on the plus strand (C>G on the coding strand, the complement: NBN is on the minus strand). VCF-style: chr8-89958845-G-C. GRCh37 (hg19) VCF-style: chr8-90971073-G-C.
Other names: c.758C>G, p.Thr253Arg (NM_001024688.3); short protein forms T335R, T253R.
Identifiers: ClinVar variation 1778162 (VCV001778162.3), dbSNP rs2488261502, ClinGen allele CA371656802.

ClinVar aggregate classification (germline): Uncertain significance (1 of 4 stars; one submission).

Conditions:
Hereditary cancer-predisposing syndrome. Also called: Neoplastic Syndromes, Hereditary; Tumor predisposition; Hereditary Cancer Syndrome; Hereditary neoplastic syndrome. Identifiers: Orphanet 140162, MedGen C0027672, MeSH D009386, MONDO:0015356.

Submission:

Ambry Genetics
Classification: Uncertain significance for Hereditary cancer-predisposing syndrome. Last evaluated: 2024-03-23. Review status: criteria provided, single submitter. Criteria: Ambry Variant Classification Scheme 2023. Collection method: clinical testing. Allele origin: germline.
Comment: The p.T335R variant (also known as c.1004C>G), located in coding exon 9 of the NBN gene, results from a C to G substitution at nucleotide position 1004. The threonine at codon 335 is replaced by arginine, an amino acid with similar properties. This amino acid position is poorly conserved in available vertebrate species. In addition, this alteration is predicted to be tolerated by in silico analysis. Since supporting evidence is limited at this time, the clinical significance of this alteration remains unclear.